The following is an entry in ClinVar:

ClinVar aggregate classification (germline): Uncertain significance (1 of 4 stars; one submission).

Conditions:
Marfan syndrome (MFS). Also called: MARFAN SYNDROME, TYPE I; Marfan syndrome type 1; Marfan's syndrome; Marfan syndrome, classic; FBN1-Related Marfan Syndrome. Identifiers: Orphanet 284963, Orphanet 558, MedGen C0024796, MONDO:0007947, OMIM 154700.

Submission:

All of Us Research Program, National Institutes of Health
Classification: Uncertain significance for Marfan syndrome. Last evaluated: 2023-10-06. Review status: criteria provided, single submitter. Criteria: ACMG Guidelines, 2015. Collection method: clinical testing. Allele origin: germline. Inheritance: Autosomal dominant inheritance. Observed: 1 variant allele, 1 heterozygote.
Comment: This missense variant replaces isoleucine with leucine at codon 895 of the FBN1 protein. Computational prediction suggests that this variant may not impact protein structure and function (internally defined REVEL score threshold <= 0.5, PMID: 27666373). To our knowledge, functional studies have not been reported for this variant. This variant has not been reported in individuals affected with FBN1-related disorders in the literature. This variant has not been identified in the general population by the Genome Aggregation Database (gnomAD). The available evidence is insufficient to determine the role of this variant in disease conclusively. Therefore, this variant is classified as a Variant of Uncertain Significance.

This study involves interpretation of variants in research participants for the purpose of population health screening. Participant phenotype was not available at the time of variant classification. Additional details can be found in publication PMID: 35346344, PMCID: PMC8962531

NM_000138.5(FBN1):c.2683A>T (p.Ile895Leu)

Gene: FBN1 (fibrillin 1; minus strand). Cytogenetic location: 15q21.1.
Variant type: single nucleotide variant.
Coding change: c.2683A>T on transcript NM_000138.5 (MANE Select); coding-DNA position 2683, A replaced by T.
Protein change: p.Ile895Leu; replaces isoleucine 895 with leucine.
Molecular consequence: missense variant.
Genome position (GRCh38, 1-based): chr15:48,494,249, T>A on the plus strand (A>T on the coding strand, the complement: FBN1 is on the minus strand). VCF-style: chr15-48494249-T-A. GRCh37 (hg19) VCF-style: chr15-48786446-T-A.
Other names: c.2683A>T, p.Ile895Leu (NM_001406716.1); short protein forms I895L.
Identifiers: ClinVar variation 3073823 (VCV003073823.1), dbSNP rs772308703, ClinGen allele CA392331730.